The following is an entry in ClinVar:

ClinVar aggregate classification (germline): Uncertain significance (1 of 4 stars; one submission).

Submission:

GeneDx
Classification: Uncertain significance. Last evaluated: 2024-02-07. Review status: criteria provided, single submitter. Criteria: GeneDx Variant Classification Process June 2021. Collection method: clinical testing. Allele origin: germline. Affected: yes.
Comment: Not observed at significant frequency in large population cohorts (gnomAD); In silico analysis supports that this missense variant has a deleterious effect on protein structure/function; Within p160 coactivator interaction domain (PMID: 8616895); Has not been previously published as pathogenic or benign to our knowledge; This variant is associated with the following publications: (PMID: 8616895)

NM_004380.3(CREBBP):c.6281C>T (p.Pro2094Leu)

Gene: CREBBP (CREB binding protein; minus strand). Cytogenetic location: 16p13.3.
Variant type: single nucleotide variant.
Coding change: c.6281C>T on transcript NM_004380.3 (MANE Select); coding-DNA position 6281, C replaced by T.
Protein change: p.Pro2094Leu; replaces proline 2094 with leucine.
Molecular consequence: missense variant.
Genome position (GRCh38, 1-based): chr16:3,728,766, G>A on the plus strand (C>T on the coding strand, the complement: CREBBP is on the minus strand). VCF-style: chr16-3728766-G-A. GRCh37 (hg19) VCF-style: chr16-3778767-G-A.
Other names: c.6167C>T, p.Pro2056Leu (NM_001079846.1); short protein forms P2056L, P2094L.
Identifiers: ClinVar variation 3368815 (VCV003368815.1).